The following is an entry in ClinVar:

NM_001190274.2(FBXO11):c.550A>G (p.Lys184Glu)

Gene: FBXO11 (F-box protein 11; minus strand). Cytogenetic location: 2p16.3.
Variant type: single nucleotide variant.
Coding change: c.550A>G on transcript NM_001190274.2 (MANE Select); coding-DNA position 550, A replaced by G.
Protein change: p.Lys184Glu; replaces lysine 184 with glutamic acid.
Molecular consequence: missense variant.
Genome position (GRCh38, 1-based): chr2:47,838,896, T>C on the plus strand (A>G on the coding strand, the complement: FBXO11 is on the minus strand). VCF-style: chr2-47838896-T-C. GRCh37 (hg19) VCF-style: chr2-48066035-T-C.
Other names: c.298A>G, p.Lys100Glu (NM_001374325.1, NM_025133.4); short protein forms K100E, K184E.
Identifiers: ClinVar variation 1519808 (VCV001519808.8), dbSNP rs2104856125, ClinGen allele CA346812860.

ClinVar aggregate classification (germline): Uncertain significance (1 of 4 stars; one submission).

Submission:

Labcorp Genetics (formerly Invitae), Labcorp
Classification: Uncertain significance. Last evaluated: 2021-03-25. Review status: criteria provided, single submitter. Criteria: Invitae Variant Classification Sherloc (09022015). Collection method: clinical testing. Allele origin: germline.
Comment: In summary, the available evidence is currently insufficient to determine the role of this variant in disease. Therefore, it has been classified as a Variant of Uncertain Significance. Algorithms developed to predict the effect of missense changes on protein structure and function (SIFT, PolyPhen-2, Align-GVGD) all suggest that this variant is likely to be tolerated, but these predictions have not been confirmed by published functional studies and their clinical significance is uncertain. This variant has not been reported in the literature in individuals with FBXO11-related conditions. This variant is not present in population databases (ExAC no frequency). This sequence change replaces lysine with glutamic acid at codon 184 of the FBXO11 protein (p.Lys184Glu). The lysine residue is highly conserved and there is a small physicochemical difference between lysine and glutamic acid.